The following is an entry in ClinVar:

NM_001853.4(COL9A3):c.1735C>A (p.Pro579Thr)

Gene: COL9A3 (collagen type IX alpha 3 chain; plus strand). Cytogenetic location: 20q13.33.
Variant type: single nucleotide variant.
Coding change: c.1735C>A on transcript NM_001853.4 (MANE Select); coding-DNA position 1735, C replaced by A.
Protein change: p.Pro579Thr; replaces proline 579 with threonine.
Molecular consequence: missense variant.
Genome position (GRCh38, 1-based): chr20:62,837,214, C>A. VCF-style: chr20-62837214-C-A. GRCh37 (hg19) VCF-style: chr20-61468566-C-A.
Other names: c.1735C>A, p.Pro579Thr (LRG_1253t1); short protein forms P579T.
Identifiers: ClinVar variation 1573036 (VCV001573036.16), dbSNP rs758064613, ClinGen allele CA9950171.

ClinVar aggregate classification (germline): Conflicting classifications of pathogenicity. Review status: criteria provided, conflicting classifications (1 of 4 stars). 6 submissions from 6 submitters: Uncertain significance (5); Likely benign (1). Last evaluated 2026-01-06.

Conditions:
Inborn genetic diseases. Identifiers: MedGen C0950123, MeSH D030342.
Skeletal dysplasia. Also called: Primary bone dysplasia. Identifiers: Orphanet 364526, MedGen C0410528, MONDO:0018230, HP:0002652.
COL9A3-related disorder. Also called: COL9A3-related condition.

Allele frequency attached by ClinVar (database versions not stated): gnomAD 0.00013; TOPMed 0.00013.

Submissions (6):

Labcorp Genetics (formerly Invitae), Labcorp
Classification: Likely benign. Last evaluated: 2026-01-06. Review status: criteria provided, single submitter. Criteria: Invitae Variant Classification Sherloc (09022015). Collection method: clinical testing. Allele origin: germline.

Ambry Genetics
Classification: Uncertain significance for Inborn genetic diseases. Last evaluated: 2025-10-28. Review status: criteria provided, single submitter. Criteria: Ambry Variant Classification Scheme 2023. Collection method: clinical testing. Allele origin: germline.

PreventionGenetics, part of Exact Sciences
Classification: Uncertain significance for COL9A3-related condition. Last evaluated: 2025-08-20. Review status: criteria provided, single submitter. Criteria: ACMG Guidelines, 2015. Collection method: clinical testing. Allele origin: germline.
Comment: The COL9A3 c.1735C>A variant is predicted to result in the amino acid substitution p.Pro579Thr. To our knowledge, this variant has not been reported in the literature. This variant is reported in 0.049% of alleles in individuals of Ashkenazi Jewish descent in gnomAD. Although we suspect that this variant may be benign, at this time, the clinical significance of this variant is uncertain due to the absence of conclusive functional and genetic evidence.

Blueprint Genetics
Classification: Uncertain significance. Last evaluated: 2024-10-24. Review status: criteria provided, single submitter. Criteria: ACMG Guidelines, 2015. Collection method: clinical testing. Allele origin: germline.

GeneDx
Classification: Uncertain significance. Last evaluated: 2023-06-27. Review status: criteria provided, single submitter. Criteria: GeneDx Variant Classification Process June 2021. Collection method: clinical testing. Allele origin: germline. Affected: yes.
Comment: Has not been previously published as pathogenic or benign to our knowledge; In silico analysis supports that this missense variant does not alter protein structure/function

Cambridge Genomics Laboratory, East Genomic Laboratory Hub, NHS Genomic Medicine Service
Classification: Uncertain significance for Skeletal dysplasia. Last evaluated: 2020-05-29. Review status: criteria provided, single submitter. Criteria: ACGS Best Practice Guidelines for Variant Classification in Rare Disease 2020. Collection method: clinical testing. Allele origin: germline. Affected: yes. Observed: 1 variant allele.